The following is an entry in ClinVar:

NM_032383.5(HPS3):c.686A>C (p.Asn229Thr)

Gene: HPS3 (HPS3 biogenesis of lysosomal organelles complex 2 subunit 1; plus strand). Cytogenetic location: 3q24.
Variant type: single nucleotide variant.
Coding change: c.686A>C on transcript NM_032383.5 (MANE Select); coding-DNA position 686, A replaced by C.
Protein change: p.Asn229Thr; replaces asparagine 229 with threonine.
Molecular consequence: missense variant. On other transcripts: intron variant (1).
Genome position (GRCh38, 1-based): chr3:149,140,472, A>C. VCF-style: chr3-149140472-A-C. GRCh37 (hg19) VCF-style: chr3-148858259-A-C.
Other names: c.218-545A>C (NM_001308258.2); short protein forms N229T.
Identifiers: ClinVar variation 2087260 (VCV002087260.4), dbSNP rs765193483, ClinGen allele CA354912778.

ClinVar aggregate classification (germline): Uncertain significance (1 of 4 stars; one submission).

Allele frequency attached by ClinVar (database versions not stated): gnomAD exomes below 0.00001.
gnomAD v4.1: 1 of 1,614,170 alleles (0.000062%); highest among the groups gnomAD compares: Non-Finnish European, 0.000085%; no homozygotes.

Submission:

Labcorp Genetics (formerly Invitae), Labcorp
Classification: Uncertain significance. Last evaluated: 2022-01-17. Review status: criteria provided, single submitter. Criteria: Invitae Variant Classification Sherloc (09022015). Collection method: clinical testing. Allele origin: germline.
Comment: In summary, the available evidence is currently insufficient to determine the role of this variant in disease. Therefore, it has been classified as a Variant of Uncertain Significance. Algorithms developed to predict the effect of missense changes on protein structure and function output the following: SIFT: "Tolerated"; PolyPhen-2: "Benign"; Align-GVGD: "Class C0". The threonine amino acid residue is found in multiple mammalian species, which suggests that this missense change does not adversely affect protein function. This variant has not been reported in the literature in individuals affected with HPS3-related conditions. This variant is not present in population databases (gnomAD no frequency). This sequence change replaces asparagine, which is neutral and polar, with threonine, which is neutral and polar, at codon 229 of the HPS3 protein (p.Asn229Thr).